The following is an entry in ClinVar:

ClinVar aggregate classification (germline): Conflicting classifications of pathogenicity. Review status: criteria provided, conflicting classifications (1 of 4 stars). 7 submissions from 7 submitters: Uncertain significance (5); Likely benign (1). 1 of the submissions does not count toward it. Last evaluated 2026-01-06.

Conditions:
Cardiovascular phenotype. Identifiers: MedGen CN230736.
Cardiac arrhythmia. Also called: Arrhythmia; Cardiac rhythm disease. Identifiers: MedGen C0003811, MONDO:0007263, HP:0011675.
Familial long QT syndrome (RWS). Also called: Congenital long QT syndrome; Romano-Ward syndrome; VENTRICULAR FIBRILLATION WITH PROLONGED QT INTERVAL. Identifiers: Orphanet 768, MedGen C1141890, MONDO:0019171.
Short QT syndrome type 1. Identifiers: Orphanet 51083, MedGen C1865020, MONDO:0012312, OMIM 609620.
Long QT syndrome 2 (LQT2). Identifiers: Orphanet 101016, Orphanet 768, MedGen C3150943, MONDO:0013367, OMIM 613688.
Long QT syndrome (LQTS). Identifiers: MedGen C0023976, MeSH D008133, MONDO:0002442. Disease mechanism: loss of function. Inheritance: Various modes of inheritance.

Allele frequency attached by ClinVar (database versions not stated): TOPMed 0.00002; ExAC below 0.00001; gnomAD 0.00002.
gnomAD v4.1: 33 of 1,601,002 alleles (0.0021%); highest among the groups gnomAD compares: Non-Finnish European, 0.0026%; no homozygotes.

Submissions (7):

Labcorp Genetics (formerly Invitae), Labcorp
Classification: Uncertain significance for Long QT syndrome. Last evaluated: 2026-01-06. Review status: criteria provided, single submitter. Criteria: Invitae Variant Classification Sherloc (09022015). Collection method: clinical testing. Allele origin: germline.
Comment: This sequence change replaces proline, which is neutral and non-polar, with threonine, which is neutral and polar, at codon 963 of the KCNH2 protein (p.Pro963Thr). The frequency data for this variant in the population databases is considered unreliable, as metrics indicate poor data quality at this position in the gnomAD database. This missense change has been observed in individual(s) with long QT syndrome and/or sudden infant death syndrome (PMID: 19841300, 29331839). ClinVar contains an entry for this variant (Variation ID: 67449). An algorithm developed to predict the effect of missense changes on protein structure and function (PolyPhen-2) suggests that this variant is likely to be disruptive. Experimental studies have shown that this missense change does not substantially affect KCNH2 function (PMID: 29331839, 31493592). In summary, the available evidence is currently insufficient to determine the role of this variant in disease. Therefore, it has been classified as a Variant of Uncertain Significance.

Color Diagnostics, LLC DBA Color Health
Classification: Uncertain significance for Cardiac arrhythmia. Last evaluated: 2025-07-14. Review status: criteria provided, single submitter. Criteria: ACMG Guidelines, 2015. Collection method: clinical testing. Allele origin: germline.
Comment: This missense variant replaces proline with threonine at codon 963 of the KCNH2 protein. Computational prediction is inconclusive regarding the impact of this variant on protein structure and function. Functional studies have shown this variant has no detectable impact on membrane surface expression or biophysical gating properties (PMID: 29331839, 31493592). This variant has been reported in a few individuals affected with long QT syndrome (PMID: 19841300, 22949429, 28861002). This variant has also been reported in two related individuals affected with recurrent sudden infant death syndrome and in two other family members who had no cardiac phenotypes (PMID: 29331839). This variant has not been identified in the general population by the Genome Aggregation Database (gnomAD). The available evidence is insufficient to determine the role of this variant in disease conclusively. Therefore, this variant is classified as a Variant of Uncertain Significance.

All of Us Research Program, National Institutes of Health
Classification: Uncertain significance for Long QT syndrome. Last evaluated: 2024-03-05. Review status: criteria provided, single submitter. Criteria: ACMG Guidelines, 2015. Collection method: clinical testing. Allele origin: germline. Inheritance: Autosomal dominant inheritance. Observed: 4 variant alleles, 4 heterozygotes.
Comment: This missense variant replaces proline with threonine at codon 963 of the KCNH2 protein. Computational prediction is inconclusive regarding the impact of this variant on protein structure and function (internally defined REVEL score threshold 0.5 < inconclusive < 0.7, PMID: 27666373). Splice site prediction tools suggest that this variant may not impact RNA splicing. Functional studies have shown this variant has no detectable impact on membrane surface expression or biophysical gating properties (PMID: 29331839, 31493592). This variant has been reported in a few individuals affected with long QT syndrome (PMID: 19841300, 22949429, 28861002). This variant has also been reported in two related individuals affected with recurrent sudden infant death syndrome and in two other family members who had no cardiac phenotypes (PMID: 29331839). This variant has not been identified in the general population by the Genome Aggregation Database (gnomAD). The available evidence is insufficient to determine the role of this variant in disease conclusively. Therefore, this variant is classified as a Variant of Uncertain Significance.

This study involves interpretation of variants in research participants for the purpose of population health screening. Participant phenotype was not available at the time of variant classification. Additional details can be found in publication PMID: 35346344, PMCID: PMC8962531

Fulgent Genetics
Classification: Uncertain significance for Short QT syndrome type 1; Long QT syndrome 2. Last evaluated: 2021-10-11. Review status: criteria provided, single submitter. Criteria: ACMG Guidelines, 2015. Collection method: clinical testing. Allele origin: unknown.

Ambry Genetics
Classification: Likely benign for Cardiovascular phenotype. Last evaluated: 2021-09-16. Review status: criteria provided, single submitter. Criteria: Ambry Variant Classification Scheme 2023. Collection method: clinical testing. Allele origin: germline.

ARUP Laboratories, Molecular Genetics and Genomics, ARUP Laboratories
Classification: Uncertain significance. Last evaluated: 2017-08-07. Review status: criteria provided, single submitter. Criteria: ARUP Molecular Germline Variant Investigation Process. Collection method: clinical testing. Allele origin: germline.
Comment: The p.Pro963Thr variant (rs199473014) was reported in one patient in a cohort of ~400, and determined as one of C-terminal variants in KCNH2 with elevated allele frequency in Long-QT cases compared to controls (Kapa, 2009). Further analysis using a combination of prediction tools concluded this variant might be benign (Giudicessi, 2012). This variant is listed in the Genome Aggregation Database (gnomAD) with an overall population frequency of 0.0009 percent (identified on 2 out of 214,534 chromosomes). It is also reported in ClinVar (Variation ID: 67449) without any clinical significance. The proline at position 963 is moderately conserved and computational analyses of the effects of the p.Pro963Thr variant on protein structure and function provide conflicting results (SIFT: tolerated, MutationTaster: disease causing, PolyPhen-2: benign). Altogether, there is not enough evidence to classify the p.Pro963Thr variant with certainty.

Cardiovascular Biomedical Research Unit, Royal Brompton & Harefield NHS Foundation Trust
No classification provided. Condition: Familial long QT syndrome. Review status: no classification provided. Collection method: literature only. Allele origin: germline. Not counted in ClinVar's aggregate classification.
Comment: This variant has been reported as associated with Long QT syndrome in the following publications (PMID:19841300). This is a literature report, and does not necessarily reflect the clinical interpretation of the Imperial College / Royal Brompton Cardiovascular Genetics laboratory.

Literature cited by the submitters: PubMed 19841300 (cited by 5 submitters); PubMed 29331839 (cited by 4 submitters); PubMed 31493592 (cited by 4 submitters); PubMed 22949429 (cited by Color Diagnostics, LLC DBA Color Health and All of Us Research Program, National Institutes of Health); PubMed 28861002 (cited by 3 submitters); PubMed 22581653 (cited by Cardiovascular Biomedical Research Unit, Royal Brompton & Harefield NHS Foundation Trust).

NM_000238.4(KCNH2):c.2887C>A (p.Pro963Thr)

Gene: KCNH2 (potassium voltage-gated channel subfamily H member 2; minus strand). Cytogenetic location: 7q36.1.
Variant type: single nucleotide variant.
Coding change: c.2887C>A on transcript NM_000238.4 (MANE Select); coding-DNA position 2887, C replaced by A.
Protein change: p.Pro963Thr; replaces proline 963 with threonine.
Molecular consequence: missense variant.
Genome position (GRCh38, 1-based): chr7:150,947,684, G>T on the plus strand (C>A on the coding strand, the complement: KCNH2 is on the minus strand). VCF-style: chr7-150947684-G-T. GRCh37 (hg19) VCF-style: chr7-150644772-G-T.
Other names: c.1867C>A, p.Pro623Thr (NM_172057.3); c.2887C>A (LRG_288t1); short protein forms P623T, P963T.
Identifiers: ClinVar variation 67449 (VCV000067449.22), dbSNP rs199473014, ClinGen allele CA007577.
Genomic context (GRCh38, chr7:150,947,684, plus strand): 5'-TGTCGCTGCTCTTCTCGCAGTCCTCCATCAGGGGCTCCCCACCCGGCGGCTCTCCGGGGG[G>T]CCTGGGGCTGGAGAAGGGCACCAGGCGGAGGGGGCTGGAGCTGCGGCCTGGGCCCTCATC-3'
Protein context (NP_000229.1, residues 953-973): LRLVPFSSPR[Pro963Thr]PGEPPGGEPL